The following is an entry in ClinVar:

ClinVar aggregate classification (germline): Uncertain significance (1 of 4 stars; one submission).

Conditions:
Hereditary pancreatitis (PCTT). Also called: Hereditary chronic pancreatitis; PRSS1-Related Hereditary Pancreatitis. Identifiers: Orphanet 676, MedGen C0238339, MONDO:0008185, OMIM 167800.

Submission:

Ambry Genetics
Classification: Uncertain significance for Hereditary pancreatitis. Last evaluated: 2023-02-28. Review status: criteria provided, single submitter. Criteria: Ambry Variant Classification Scheme 2023. Collection method: clinical testing. Allele origin: germline.
Comment: The p.F279S variant (also known as c.836T>C), located in coding exon 8 of the CPA1 gene, results from a T to C substitution at nucleotide position 836. The phenylalanine at codon 279 is replaced by serine, an amino acid with highly dissimilar properties. This amino acid position is conserved. In addition, this alteration is predicted to be tolerated by in silico analysis. Since supporting evidence is limited at this time, the clinical significance of this alteration remains unclear.

NM_001868.4(CPA1):c.836T>C (p.Phe279Ser)

Gene: CPA1 (carboxypeptidase A1; plus strand). Cytogenetic location: 7q32.2.
Variant type: single nucleotide variant.
Coding change: c.836T>C on transcript NM_001868.4 (MANE Select); coding-DNA position 836, T replaced by C.
Protein change: p.Phe279Ser; replaces phenylalanine 279 with serine.
Molecular consequence: missense variant.
Genome position (GRCh38, 1-based): chr7:130,385,194, T>C. VCF-style: chr7-130385194-T-C. GRCh37 (hg19) VCF-style: chr7-130025035-T-C.
Other names: short protein forms F279S.
Identifiers: ClinVar variation 2448278 (VCV002448278.2), dbSNP rs2536012132, ClinGen allele CA369283381.